The following is an entry in ClinVar:

NM_003737.4(DCHS1):c.1745T>C (p.Phe582Ser)

Gene: DCHS1 (dachsous cadherin-related 1; minus strand). Cytogenetic location: 11p15.4.
Variant type: single nucleotide variant.
Coding change: c.1745T>C on transcript NM_003737.4 (MANE Select); coding-DNA position 1745, T replaced by C.
Protein change: p.Phe582Ser; replaces phenylalanine 582 with serine.
Molecular consequence: missense variant.
Genome position (GRCh38, 1-based): chr11:6,639,869, A>G on the plus strand (T>C on the coding strand, the complement: DCHS1 is on the minus strand). VCF-style: chr11-6639869-A-G. GRCh37 (hg19) VCF-style: chr11-6661100-A-G.
Other names: c.1745T>C (NM_003737.2); short protein forms F582S.
Identifiers: ClinVar variation 3020788 (VCV003020788.4), dbSNP rs1238841786, ClinGen allele CA379429972.

ClinVar aggregate classification (germline): Uncertain significance. Review status: criteria provided, multiple submitters, no conflicts (2 of 4 stars). 2 submissions from 2 submitters: Uncertain significance (2). Last evaluated 2025-08-20.

Conditions:
Inborn genetic diseases. Identifiers: MedGen C0950123, MeSH D030342.

Allele frequency attached by ClinVar (database versions not stated): gnomAD 0.00001; TOPMed 0.00001.
gnomAD v4.1: 2 of 1,613,086 alleles (0.00012%); highest among the groups gnomAD compares: African/African-American, 0.0013%; no homozygotes.

Submissions (2):

Ambry Genetics
Classification: Uncertain significance for Inborn genetic diseases. Last evaluated: 2025-08-20. Review status: criteria provided, single submitter. Criteria: Ambry Variant Classification Scheme 2023. Collection method: clinical testing. Allele origin: germline.

Labcorp Genetics (formerly Invitae), Labcorp
Classification: Uncertain significance. Last evaluated: 2023-02-14. Review status: criteria provided, single submitter. Criteria: Invitae Variant Classification Sherloc (09022015). Collection method: clinical testing. Allele origin: germline.
Comment: This sequence change replaces phenylalanine, which is neutral and non-polar, with serine, which is neutral and polar, at codon 582 of the DCHS1 protein (p.Phe582Ser). The frequency data for this variant in the population databases is considered unreliable, as metrics indicate poor data quality at this position in the gnomAD database. This variant has not been reported in the literature in individuals affected with DCHS1-related conditions. Advanced modeling of protein sequence and biophysical properties (such as structural, functional, and spatial information, amino acid conservation, physicochemical variation, residue mobility, and thermodynamic stability) performed at Invitae indicates that this missense variant is not expected to disrupt DCHS1 protein function. In summary, the available evidence is currently insufficient to determine the role of this variant in disease. Therefore, it has been classified as a Variant of Uncertain Significance.